The following is an entry in ClinVar:

NM_024782.3(NHEJ1):c.783C>G (p.Val261=)

Genes: NHEJ1 (non-homologous end joining factor 1; minus strand), LOC126806516 (BRD4-independent group 4 enhancer GRCh37_chr2:219941606-219942805; plus strand). Cytogenetic location: 2q35.
Variant type: single nucleotide variant.
Coding change: c.783C>G on transcript NM_024782.3 (MANE Select); coding-DNA position 783, C replaced by G.
Protein change: p.Val261=; no amino-acid change (valine 261 retained).
Molecular consequence: synonymous variant. On other transcripts: non-coding transcript variant (1).
Genome position (GRCh38, 1-based): chr2:219,077,288, G>C on the plus strand (C>G on the coding strand, the complement: NHEJ1 is on the minus strand). VCF-style: chr2-219077288-G-C. GRCh37 (hg19) VCF-style: chr2-219942010-G-C.
Other names: c.783C>G, p.Val261= (NM_001377498.1); c.798C>G, p.Val266= (NM_001377499.1).
Identifiers: ClinVar variation 509440 (VCV000509440.39), dbSNP rs374469478, ClinGen allele CA2116861.

ClinVar aggregate classification (germline): Likely benign. Review status: criteria provided, multiple submitters, no conflicts (2 of 4 stars). 6 submissions from 6 submitters: Likely benign (5). 1 of the submissions does not count toward it. Last evaluated 2025-08-18.

Conditions:
Cernunnos-XLF deficiency (IMD124). Also called: NHEJ1 SYNDROME; Severe combined immunodeficiency with sensitivity to ionizing radiation due to NHEJ1 deficiency; SCID, autosomal recessive, T cell-negative, B cell-negative, NK cell-positive, and sensitivity to ionizing radiation due to NHEJ1 deficiency; IMMUNODEFICIENCY 124, SEVERE COMBINED; SCID, AUTOSOMAL RECESSIVE, T CELL-NEGATIVE, B CELL-NEGATIVE, NK CELL-POSITIVE, WITH MICROCEPHALY, GROWTH RETARDATION, AND SENSITIVITY TO IONIZING RADIATION. Identifiers: Orphanet 169079, MedGen C1969799, MONDO:0012650, OMIM 611291.
NHEJ1-related disorder. Also called: NHEJ1-related condition.

Allele frequency attached by ClinVar (database versions not stated): TOPMed 0.00003; gnomAD exomes 0.00006; ExAC 0.00008; ESP Exome Variant Server 0.00008; gnomAD 0.00010 and 0.00011.
gnomAD v4.1: 90 of 1,613,978 alleles (0.0056%); highest among the groups gnomAD compares: Non-Finnish European, 0.0068%; no homozygotes.

Submissions (6):

Labcorp Genetics (formerly Invitae), Labcorp
Classification: Likely benign for Cernunnos-XLF deficiency. Last evaluated: 2025-08-18. Review status: criteria provided, single submitter. Criteria: Invitae Variant Classification Sherloc (09022015). Collection method: clinical testing. Allele origin: germline.

Laboratory of Genetics, Children's Clinical University Hospital Latvia
Classification: Likely benign. Last evaluated: 2025-02-16. Review status: criteria provided, single submitter. Criteria: ACMG Guidelines, 2015. Collection method: clinical testing. Allele origin: germline. Affected: yes.

Blueprint Genetics
Classification: Likely benign. Last evaluated: 2024-05-29. Review status: criteria provided, single submitter. Criteria: ACMG Guidelines, 2015. Collection method: clinical testing. Allele origin: germline.

CeGaT Center for Human Genetics Tuebingen
Classification: Likely benign. Last evaluated: 2022-08-01. Review status: criteria provided, single submitter. Criteria: CeGaT Center For Human Genetics Tuebingen Variant Classification Criteria Version 2. Collection method: clinical testing. Allele origin: germline. Affected: yes. Observed: 1 variant allele.
Comment: NHEJ1: BP4, BP7

GeneDx
Classification: Likely benign. Last evaluated: 2017-05-09. Review status: criteria provided, single submitter. Criteria: GeneDx Variant Classification (06012015). Collection method: clinical testing. Allele origin: germline. Affected: yes.
Comment: This variant is considered likely benign or benign based on one or more of the following criteria: it is a conservative change, it occurs at a poorly conserved position in the protein, it is predicted to be benign by multiple in silico algorithms, and/or has population frequency not consistent with disease.

PreventionGenetics, part of Exact Sciences
Classification: Likely benign for NHEJ1-related condition. Last evaluated: 2019-03-27. Review status: no assertion criteria provided. Collection method: clinical testing. Allele origin: germline. Not counted in ClinVar's aggregate classification.
Comment: This variant is classified as likely benign based on ACMG/AMP sequence variant interpretation guidelines (Richards et al. 2015 PMID: 25741868, with internal and published modifications).